The following is an entry in ClinVar:

ClinVar aggregate classification (germline): Pathogenic/Likely pathogenic. Review status: criteria provided, multiple submitters, no conflicts (2 of 4 stars). 3 submissions from 3 submitters: Pathogenic (1); Likely pathogenic (2). Last evaluated 2026-04-08.

Conditions:
Hypertrophic cardiomyopathy 4. Also called: Familial hypertrophic cardiomyopathy 4. Identifiers: MedGen C1861862, MONDO:0007268, OMIM 115197.

Submissions (3):

GeneDx
Classification: Likely pathogenic. Last evaluated: 2026-04-08. Review status: criteria provided, single submitter. Criteria: GeneDx Variant Classification Process June 2021. Collection method: clinical testing. Allele origin: germline.
Comment: Observed in a cohort of patients with rare genetic disorders referred for genetic testing; however, detailed clinical information was not provided (PMID: 39843441); Nonsense variant predicted to result in protein truncation or nonsense mediated decay in a gene for which loss of function is a known mechanism of disease; Not observed at significant frequency in large population cohorts (gnomAD); This variant is associated with the following publications: (PMID: 39843441)

3billion
Classification: Pathogenic for Hypertrophic cardiomyopathy 4. Last evaluated: 2024-12-31. Review status: criteria provided, single submitter. Criteria: ACMG Guidelines, 2015. Collection method: clinical testing. Allele origin: germline. Affected: yes.
Comment: The variant is not observed in the gnomAD v4.1.0 dataset. Predicted Consequence/Location: Stop-gained (nonsense): predicted to result in a loss or disruption of normal protein function through nonsense-mediated decay (NMD) or protein truncation. Multiple pathogenic variants are reported downstream of the variant. Damaging effect on gene or gene product predicted by in silico programs is uncertain [3Cnet: 0.99 (damaging >=0.6, benign <0.15)]. The variant has been reported at least twice as pathogenic with clinical assertions and evidence for the classification (ClinVar ID: VCV001687205 /3billion dataset). Therefore, this variant is classified as Pathogenic according to the recommendation of ACMG/AMP guideline.

Victorian Clinical Genetics Services, Murdoch Childrens Research Institute
Classification: Likely pathogenic for Hypertrophic cardiomyopathy 4. Last evaluated: 2022-02-02. Review status: criteria provided, single submitter. Criteria: ACMG Guidelines, 2015. Collection method: clinical testing. Allele origin: germline. Inheritance: Autosomal dominant inheritance. Affected: yes.
Comment: Based on the classification scheme VCGS_Germline_v1.3.4, this variant is classified as Likely pathogenic. Following criteria are met: 0102 - Loss of function is a known mechanism of disease in this gene and is associated with hypertrophic cardiomyopathy 4 (HCM; MIM#115197). (I) 0108 - This gene is associated with both recessive and dominant disease. Dominant inheritance is frequently reported in adult onset conditions, however recessive inheritance results in a more severe early onset phenotype (OMIM). (I) 0115 - Variants in this gene are known to have variable expressivity (PMID: 32841044). (I) 0201 - Variant is predicted to cause nonsense-mediated decay (NMD) and loss of protein (premature termination codon is located at least 54 nucleotides upstream of the final exon-exon junction). (SP) 0251 - This variant is heterozygous. (I) 0301 - Variant is absent from gnomAD (both v2 and v3). (SP) 0701 - Other NMD predicted variants comparable to the one identified in this case have very strong previous evidence for pathogenicity (ClinVar). (SP) 0807 - This variant has no previous evidence of pathogenicity. (I) 0905 - No published segregation evidence has been identified for this variant. (I) 1007 - No published functional evidence has been identified for this variant. (I) 1208 - Inheritance information for this variant is not currently available in this individual. (I) Legend: (SP) - Supporting pathogenic, (I) - Information, (SB) - Supporting benign

Literature cited by the submitters: PubMed 32841044 (cited by Victorian Clinical Genetics Services, Murdoch Childrens Research Institute).

NM_000256.3(MYBPC3):c.1645C>T (p.Gln549Ter)

Gene: MYBPC3 (myosin binding protein C3; minus strand). Cytogenetic location: 11p11.2.
Variant type: single nucleotide variant.
Coding change: c.1645C>T on transcript NM_000256.3 (MANE Select); coding-DNA position 1645, C replaced by T.
Protein change: p.Gln549Ter; replaces glutamine 549 with a stop codon.
Molecular consequence: nonsense.
Genome position (GRCh38, 1-based): chr11:47,342,136, G>A on the plus strand (C>T on the coding strand, the complement: MYBPC3 is on the minus strand). VCF-style: chr11-47342136-G-A. GRCh37 (hg19) VCF-style: chr11-47363687-G-A.
Other names: short protein forms Q549*.
Identifiers: ClinVar variation 1687205 (VCV001687205.6), dbSNP rs2142860329, ClinGen allele CA380324460.